The following is an entry in ClinVar:

NM_003051.4(SLC16A1):c.339C>A (p.Tyr113Ter)

Gene: SLC16A1 (solute carrier family 16 member 1; minus strand). Cytogenetic location: 1p13.2.
Variant type: single nucleotide variant.
Coding change: c.339C>A on transcript NM_003051.4 (MANE Select); coding-DNA position 339, C replaced by A.
Protein change: p.Tyr113Ter; replaces tyrosine 113 with a stop codon.
Molecular consequence: nonsense.
Genome position (GRCh38, 1-based): chr1:112,922,012, G>T on the plus strand (C>A on the coding strand, the complement: SLC16A1 is on the minus strand). VCF-style: chr1-112922012-G-T. GRCh37 (hg19) VCF-style: chr1-113464634-G-T.
Other names: c.339C>A, p.Tyr113Ter (NM_001166496.2); short protein forms Y113*.
Identifiers: ClinVar variation 2637719 (VCV002637719.1), dbSNP rs557581298, ClinGen allele CA341824701.

ClinVar aggregate classification (germline): Pathogenic (1 of 4 stars; one submission).

Conditions:
SLC16A1-related disorder. Also called: SLC16A1-related condition; SLC16A1-related disorders.

Submission:

Women's Health and Genetics/Laboratory Corporation of America, LabCorp
Classification: Pathogenic for SLC16A1-Related Disorders. Last evaluated: 2023-10-13. Review status: criteria provided, single submitter. Criteria: LabCorp Variant Classification Summary - May 2015. Collection method: clinical testing. Allele origin: germline.
Comment: Variant summary: SLC16A1 c.339C>A (p.Tyr113X) results in a premature termination codon, predicted to cause a truncation of the encoded protein or absence of the protein due to nonsense mediated decay, which are commonly known mechanisms for disease. The variant was absent in 251446 control chromosomes. To our knowledge, no occurrence of c.339C>A in individuals affected with SLC16A1 Related Disorders and no experimental evidence demonstrating its impact on protein function have been reported. No submitters have cited clinical-significance assessments for this variant to ClinVar after 2014. Based on the evidence outlined above, the variant was classified as pathogenic.